The following is an entry in ClinVar:

ClinVar aggregate classification (germline): Uncertain significance (1 of 4 stars; one submission).

Submission:

Ambry Genetics
Classification: Uncertain significance. Last evaluated: 2025-07-31. Review status: criteria provided, single submitter. Criteria: Ambry Variant Classification Scheme 2023. Collection method: clinical testing. Allele origin: germline.
Comment: The p.H265Y variant (also known as c.793C>T), located in coding exon 1 of the MLH3 gene, results from a C to T substitution at nucleotide position 793. The histidine at codon 265 is replaced by tyrosine, an amino acid with similar properties. This amino acid position is conserved. In addition, the in silico prediction for this alteration is inconclusive. Based on the available evidence, the clinical significance of this variant remains unclear.

NM_001040108.2(MLH3):c.793C>T (p.His265Tyr)

Gene: MLH3 (mutL homolog 3; minus strand). Cytogenetic location: 14q24.3.
Variant type: single nucleotide variant.
Coding change: c.793C>T on transcript NM_001040108.2 (MANE Select); coding-DNA position 793, C replaced by T.
Protein change: p.His265Tyr; replaces histidine 265 with tyrosine.
Molecular consequence: missense variant.
Genome position (GRCh38, 1-based): chr14:75,048,863, G>A on the plus strand (C>T on the coding strand, the complement: MLH3 is on the minus strand). VCF-style: chr14-75048863-G-A. GRCh37 (hg19) VCF-style: chr14-75515566-G-A.
Other names: c.793C>T, p.His265Tyr (NM_014381.3); short protein forms H265Y.
Identifiers: ClinVar variation 4108592 (VCV004108592.1).